The following is an entry in ClinVar:

NM_000350.3(ABCA4):c.91T>C (p.Trp31Arg)

Gene: ABCA4 (ATP binding cassette subfamily A member 4; minus strand). Cytogenetic location: 1p22.1.
Variant type: single nucleotide variant.
Coding change: c.91T>C on transcript NM_000350.3 (MANE Select); coding-DNA position 91, T replaced by C.
Protein change: p.Trp31Arg; replaces tryptophan 31 with arginine.
Molecular consequence: missense variant.
Genome position (GRCh38, 1-based): chr1:94,113,042, A>G on the plus strand (T>C on the coding strand, the complement: ABCA4 is on the minus strand). VCF-style: chr1-94113042-A-G. GRCh37 (hg19) VCF-style: chr1-94578598-A-G.
Other names: c.91T>C, p.Trp31Arg (NM_001425324.1); short protein forms W31R.
Identifiers: ClinVar variation 2202816 (VCV002202816.5), dbSNP rs1193865484, ClinGen allele CA341286761.

ClinVar aggregate classification (germline): Pathogenic/Likely pathogenic. Review status: criteria provided, multiple submitters, no conflicts (2 of 4 stars). 2 submissions from 2 submitters: Pathogenic (1); Likely pathogenic (1). Last evaluated 2025-12-17.

Conditions:
ABCA4-related disorder. Also called: ABCA4-related disorders; ABCA4-related condition. Identifiers: MedGen CN239167.

Allele frequency attached by ClinVar (database versions not stated): gnomAD exomes below 0.00001; TOPMed below 0.00001; gnomAD 0.00001.

Submissions (2):

Labcorp Genetics (formerly Invitae), Labcorp
Classification: Pathogenic. Last evaluated: 2025-12-17. Review status: criteria provided, single submitter. Criteria: Invitae Variant Classification Sherloc (09022015). Collection method: clinical testing. Allele origin: germline.
Comment: This sequence change replaces tryptophan, which is neutral and slightly polar, with arginine, which is basic and polar, at codon 31 of the ABCA4 protein (p.Trp31Arg). This variant is not present in population databases (gnomAD no frequency). This missense change has been observed in individuals with ABCA4-related conditions (PMID: 21911583, 28327576; internal data). ClinVar contains an entry for this variant (Variation ID: 2202816). Invitae Evidence Modeling of protein sequence and biophysical properties (such as structural, functional, and spatial information, amino acid conservation, physicochemical variation, residue mobility, and thermodynamic stability) indicates that this missense variant is expected to disrupt ABCA4 protein function with a positive predictive value of 95%. For these reasons, this variant has been classified as Pathogenic.

Blueprint Genetics
Classification: Likely pathogenic for ABCA4-related disorders. Last evaluated: 2020-10-21. Review status: criteria provided, single submitter. Criteria: ACMG Guidelines, 2015. Collection method: clinical testing. Allele origin: germline. Affected: yes. Observed: 2 variant alleles.

Literature cited by the submitters: PubMed 21911583 (cited by Labcorp Genetics (formerly Invitae), Labcorp); PubMed 28327576 (cited by Labcorp Genetics (formerly Invitae), Labcorp).